The following is an entry in ClinVar:

ClinVar aggregate classification (germline): Uncertain significance (1 of 4 stars; one submission).

Submission:

GeneDx
Classification: Uncertain significance. Last evaluated: 2025-07-08. Review status: criteria provided, single submitter. Criteria: GeneDx Variant Classification Process June 2021. Collection method: clinical testing. Allele origin: germline. Affected: yes.
Comment: Not observed at significant frequency in large population cohorts (gnomAD); In silico analysis suggests that this missense variant does not alter protein structure/function; Has not been previously published as pathogenic or benign to our knowledge

NM_031475.3(ESPN):c.1441G>A (p.Glu481Lys)

Gene: ESPN (espin; plus strand). Cytogenetic location: 1p36.31.
Variant type: single nucleotide variant.
Coding change: c.1441G>A on transcript NM_031475.3 (MANE Select); coding-DNA position 1441, G replaced by A.
Protein change: p.Glu481Lys; replaces glutamic acid 481 with lysine.
Molecular consequence: missense variant.
Genome position (GRCh38, 1-based): chr1:6,445,912, G>A. VCF-style: chr1-6445912-G-A. GRCh37 (hg19) VCF-style: chr1-6505972-G-A.
Other names: c.1441G>A, p.Glu481Lys (NM_001367473.1, NM_001367474.1); short protein forms E481K.
Identifiers: ClinVar variation 4685149 (VCV004685149.1).
Genomic context (GRCh38, chr1:6,445,912, plus strand): 5'-CCTGTAGGACCACAGGCAGCTGACATCTACATGCAGACCAAGAACAAACTCCGCCACGTG[G>A]AGACAGAGGCCCTCAAGAAGGAGGTAGTGAGCCCTCACCCCCTGCCTGCCTCCCAGCAGG-3'
Protein context (NP_113663.2, residues 471-491): MQTKNKLRHV[Glu481Lys]TEALKKELSS